The following is an entry in ClinVar:

ClinVar aggregate classification (germline): Uncertain significance (1 of 4 stars; one submission).

Allele frequency attached by ClinVar (database versions not stated): gnomAD exomes below 0.00001; TOPMed 0.00002.
gnomAD v4.1: 3 of 1,610,672 alleles (0.00019%); highest among the groups gnomAD compares: Non-Finnish European, 0.00017%; no homozygotes.

Submission:

Labcorp Genetics (formerly Invitae), Labcorp
Classification: Uncertain significance. Last evaluated: 2022-03-31. Review status: criteria provided, single submitter. Criteria: Invitae Variant Classification Sherloc (09022015). Collection method: clinical testing. Allele origin: germline.
Comment: This sequence change replaces aspartic acid, which is acidic and polar, with glycine, which is neutral and non-polar, at codon 480 of the MCM3AP protein (p.Asp480Gly). This variant is not present in population databases (gnomAD no frequency). This variant has not been reported in the literature in individuals affected with MCM3AP-related conditions. Algorithms developed to predict the effect of missense changes on protein structure and function are either unavailable or do not agree on the potential impact of this missense change (SIFT: "Tolerated"; PolyPhen-2: "Possibly Damaging"; Align-GVGD: "Class C0"). In summary, the available evidence is currently insufficient to determine the role of this variant in disease. Therefore, it has been classified as a Variant of Uncertain Significance.

NM_003906.5(MCM3AP):c.1439A>G (p.Asp480Gly)

Gene: MCM3AP (minichromosome maintenance complex component 3 associated protein; minus strand). Cytogenetic location: 21q22.3.
Variant type: single nucleotide variant.
Coding change: c.1439A>G on transcript NM_003906.5 (MANE Select); coding-DNA position 1439, A replaced by G.
Protein change: p.Asp480Gly; replaces aspartic acid 480 with glycine.
Molecular consequence: missense variant.
Genome position (GRCh38, 1-based): chr21:46,283,619, T>C on the plus strand (A>G on the coding strand, the complement: MCM3AP is on the minus strand). VCF-style: chr21-46283619-T-C. GRCh37 (hg19) VCF-style: chr21-47703533-T-C.
Other names: short protein forms D480G.
Identifiers: ClinVar variation 2192069 (VCV002192069.1), dbSNP rs1179227331, ClinGen allele CA410531095.
Genomic context (GRCh38, chr21:46,283,619, plus strand): 5'-TTTAAAGTGACAAGGTTCAAATCTAGGGTAACAAATGGCAAGATGGGAGTACTCACATGA[T>C]CAAAGAAATGTACCACTGCAAGCTTTTTGCTGCGCCTGGTAAAGATGCGCTGCACTTTAG-3'
Protein context (NP_003897.2, residues 470-490): SKKLAVVHFF[Asp480Gly]HASAALARKK